The following is an entry in ClinVar:

ClinVar aggregate classification (germline): Likely pathogenic (1 of 4 stars; one submission).

Submission:

GeneDx
Classification: Likely pathogenic. Last evaluated: 2024-05-14. Review status: criteria provided, single submitter. Criteria: GeneDx Variant Classification Process June 2021. Collection method: clinical testing. Allele origin: germline. Affected: yes.
Comment: Frameshift variant predicted to result in abnormal protein length as the last 56 amino acids are replaced with 42 different amino acids; Not observed at significant frequency in large population cohorts (gnomAD); Has not been previously published as pathogenic or benign to our knowledge

NM_017849.4(TMEM127):c.546_547insT (p.Ala183fs)

Gene: TMEM127 (transmembrane protein 127; minus strand). Cytogenetic location: 2q11.2.
Variant type: Insertion.
Coding change: c.546_547insT on transcript NM_017849.4 (MANE Select); coding-DNA positions 546 to 547, T inserted.
Protein change: p.Ala183fs; shifts the reading frame from alanine 183.
Molecular consequence: frameshift variant.
Genome position: GRCh38 VCF-style: chr2-96253978-C-CA. GRCh37 (hg19) VCF-style: chr2-96919716-C-CA.
Other names: c.546_547insT, p.Ala183fs (NM_001193304.3); c.294_295insT, p.Ala99fs (NM_001407282.1, NM_001407283.1); short protein forms A183fs, A99fs.
Identifiers: ClinVar variation 3378312 (VCV003378312.1).